The following is an entry in ClinVar:

NM_004100.5(EYA4):c.1014T>G (p.Asp338Glu)

Gene: EYA4 (EYA transcriptional coactivator and phosphatase 4; plus strand). Cytogenetic location: 6q23.2.
Variant type: single nucleotide variant.
Coding change: c.1014T>G on transcript NM_004100.5 (MANE Select); coding-DNA position 1014, T replaced by G.
Protein change: p.Asp338Glu; replaces aspartic acid 338 with glutamic acid.
Molecular consequence: missense variant.
Genome position (GRCh38, 1-based): chr6:133,481,506, T>G. VCF-style: chr6-133481506-T-G. GRCh37 (hg19) VCF-style: chr6-133802644-T-G.
Other names: c.852T>G, p.Asp284Glu (NM_001301012.2); c.1032T>G, p.Asp344Glu (NM_001301013.2); c.945T>G, p.Asp315Glu (NM_001370458.1, NM_172103.4); c.870T>G, p.Asp290Glu (NM_001370459.1); c.1014T>G, p.Asp338Glu (NM_172105.4); short protein forms D338E, D284E, D290E, D315E, D344E.
Identifiers: ClinVar variation 4691630 (VCV004691630.1).
Genomic context (GRCh38, chr6:133,481,506, plus strand): 5'-AGTCATGTTATCTATAGGAGAGTTCGATACCATGCAGAGTCCCTCCACACCCATCAAAGA[T>G]CTTGATGAGAGAACCTGTAGGAGTTCTGGGTCAAAGTCCAGAGGAAGAGGCCGGAAAAAT-3'
Protein context (NP_004091.3, residues 328-348): TMQSPSTPIK[Asp338Glu]LDERTCRSSG

ClinVar aggregate classification (germline): Uncertain significance (1 of 4 stars; one submission).

Conditions:
Dilated cardiomyopathy 1J (CMD1J). Also called: CARDIOMYOPATHY, DILATED, WITH SENSORINEURAL HEARING LOSS, AUTOSOMAL DOMINANT. Identifiers: Orphanet 217622, MedGen C1854368, MONDO:0011541, OMIM 605362.

gnomAD v4.1: 3 of 1,613,250 alleles (0.00019%); highest among the groups gnomAD compares: Non-Finnish European, 0.00025%; no homozygotes.

Submission:

Labcorp Genetics (formerly Invitae), Labcorp
Classification: Uncertain significance for Dilated cardiomyopathy 1J. Last evaluated: 2025-10-06. Review status: criteria provided, single submitter. Criteria: Invitae Variant Classification Sherloc (09022015). Collection method: clinical testing. Allele origin: germline.
Comment: This sequence change replaces aspartic acid, which is acidic and polar, with glutamic acid, which is acidic and polar, at codon 338 of the EYA4 protein (p.Asp338Glu). This variant is present in population databases (no rsID available, gnomAD 0.007%). This variant has not been reported in the literature in individuals affected with EYA4-related conditions. Invitae Evidence Modeling of protein sequence and biophysical properties (such as structural, functional, and spatial information, amino acid conservation, physicochemical variation, residue mobility, and thermodynamic stability) indicates that this missense variant is not expected to disrupt EYA4 protein function with a negative predictive value of 80%. In summary, the available evidence is currently insufficient to determine the role of this variant in disease. Therefore, it has been classified as a Variant of Uncertain Significance.